The following is an entry in ClinVar:

NM_001378454.1(ALMS1):c.12340del (p.Glu4114fs)

Gene: ALMS1 (ALMS1 centrosome and basal body associated protein; plus strand). Cytogenetic location: 2p13.1.
Variant type: Deletion.
Coding change: c.12340del on transcript NM_001378454.1 (MANE Select); coding-DNA position 12340, one base deleted (G; older notation c.12340delG).
Protein change: p.Glu4114fs; shifts the reading frame from glutamic acid 4114.
Molecular consequence: frameshift variant.
Genome position (GRCh38, 1-based): chr2:73,603,282, G deleted; the last of 2 consecutive G bases (chr2:73,603,281-73,603,282); deleting either gives the same sequence. VCF-style (leftmost placement, unchanged base first): chr2-73603280-AG-A. GRCh37 (hg19) VCF-style: chr2-73830407-AG-A.
Other names: c.12343del, p.Glu4115fs (NM_015120.4); short protein forms E4114fs, E4115fs.
Identifiers: ClinVar variation 1453504 (VCV001453504.6), dbSNP rs2104202909, ClinGen allele CA2573135809.

ClinVar aggregate classification (germline): Pathogenic (1 of 4 stars; one submission).

Conditions:
Alstrom syndrome (ALMS). Identifiers: Orphanet 64, MedGen C0268425, MONDO:0008763, OMIM 203800.

Submission:

Labcorp Genetics (formerly Invitae), Labcorp
Classification: Pathogenic for Alstrom syndrome. Last evaluated: 2025-02-28. Review status: criteria provided, single submitter. Criteria: Invitae Variant Classification Sherloc (09022015). Collection method: clinical testing. Allele origin: germline.
Comment: This sequence change creates a premature translational stop signal (p.Glu4115Lysfs*2) in the ALMS1 gene. It is expected to result in an absent or disrupted protein product. Loss-of-function variants in ALMS1 are known to be pathogenic (PMID: 17594715). This variant is not present in population databases (gnomAD no frequency). This variant has not been reported in the literature in individuals affected with ALMS1-related conditions. ClinVar contains an entry for this variant (Variation ID: 1453504). For these reasons, this variant has been classified as Pathogenic.

Literature cited by the submitters: PubMed 17594715.